The following is an entry in ClinVar:

ClinVar aggregate classification (germline): Uncertain significance. Review status: criteria provided, multiple submitters, no conflicts (2 of 4 stars). 5 submissions from 5 submitters: Uncertain significance (5). Last evaluated 2024-10-20.

Conditions:
Hereditary cancer-predisposing syndrome. Also called: Tumor predisposition; Neoplastic Syndromes, Hereditary; Hereditary Cancer Syndrome; Hereditary neoplastic syndrome. Identifiers: Orphanet 140162, MedGen C0027672, MeSH D009386, MONDO:0015356.
Peutz-Jeghers syndrome (PJS). Also called: POLYPOSIS, HAMARTOMATOUS INTESTINAL; POLYPS-AND-SPOTS SYNDROME; Peutz-Jeghers polyposis; Periorificial lentiginosis syndrome. Identifiers: Orphanet 2869, MedGen C0031269, MeSH D010580, MONDO:0008280, OMIM 175200.

Submissions (5):

Labcorp Genetics (formerly Invitae), Labcorp
Classification: Uncertain significance for Peutz-Jeghers syndrome. Last evaluated: 2024-10-20. Review status: criteria provided, single submitter. Criteria: Invitae Variant Classification Sherloc (09022015). Collection method: clinical testing. Allele origin: germline.
Comment: This sequence change replaces leucine, which is neutral and non-polar, with valine, which is neutral and non-polar, at codon 113 of the STK11 protein (p.Leu113Val). This variant is not present in population databases (gnomAD no frequency). This variant has not been reported in the literature in individuals affected with STK11-related conditions. ClinVar contains an entry for this variant (Variation ID: 492524). Invitae Evidence Modeling of protein sequence and biophysical properties (such as structural, functional, and spatial information, amino acid conservation, physicochemical variation, residue mobility, and thermodynamic stability) has been performed for this missense variant. However, the output from this modeling did not meet the statistical confidence thresholds required to predict the impact of this variant on STK11 protein function. In summary, the available evidence is currently insufficient to determine the role of this variant in disease. Therefore, it has been classified as a Variant of Uncertain Significance.

Color Diagnostics, LLC DBA Color Health
Classification: Uncertain significance for Hereditary cancer-predisposing syndrome. Last evaluated: 2024-03-06. Review status: criteria provided, single submitter. Criteria: ACMG Guidelines, 2015. Collection method: clinical testing. Allele origin: germline.
Comment: This missense variant replaces leucine with valine at codon 113 of the STK11 protein. Computational prediction suggests that this variant may have deleterious impact on protein structure and function (internally defined REVEL score threshold >= 0.7, PMID: 27666373). To our knowledge, functional studies have not been reported for this variant. This variant has not been reported in individuals affected with hereditary cancer in the literature. This variant has not been identified in the general population by the Genome Aggregation Database (gnomAD). The available evidence is insufficient to determine the role of this variant in disease conclusively. Therefore, this variant is classified as a Variant of Uncertain Significance.

GeneDx
Classification: Uncertain significance. Last evaluated: 2023-08-08. Review status: criteria provided, single submitter. Criteria: GeneDx Variant Classification Process June 2021. Collection method: clinical testing. Allele origin: germline. Affected: yes.
Comment: Not observed at significant frequency in large population cohorts (gnomAD); In silico analysis supports that this missense variant has a deleterious effect on protein structure/function; Has not been previously published as pathogenic or benign to our knowledge; This variant is associated with the following publications: (PMID: 15863673)

Genome-Nilou Lab
Classification: Uncertain significance for Peutz-Jeghers syndrome. Last evaluated: 2021-07-15. Review status: criteria provided, single submitter. Criteria: ACMG Guidelines, 2015. Collection method: clinical testing. Allele origin: germline. Affected: no.

Ambry Genetics
Classification: Uncertain significance for Hereditary cancer-predisposing syndrome. Last evaluated: 2018-03-22. Review status: criteria provided, single submitter. Criteria: Ambry Variant Classification Scheme 2023. Collection method: clinical testing. Allele origin: germline.
Comment: The p.L113V variant (also known as c.337C>G), located in coding exon 2 of the STK11 gene, results from a C to G substitution at nucleotide position 337. The leucine at codon 113 is replaced by valine, an amino acid with highly similar properties. This amino acid position is highly conserved in available vertebrate species. In addition, the in silico prediction for this alteration is inconclusive. Since supporting evidence is limited at this time, the clinical significance of this alteration remains unclear.

NM_000455.5(STK11):c.337C>G (p.Leu113Val)

Gene: STK11 (serine/threonine kinase 11; plus strand). Cytogenetic location: 19p13.3.
Variant type: single nucleotide variant.
Coding change: c.337C>G on transcript NM_000455.5 (MANE Select); coding-DNA position 337, C replaced by G.
Protein change: p.Leu113Val; replaces leucine 113 with valine.
Molecular consequence: missense variant.
Genome position (GRCh38, 1-based): chr19:1,218,463, C>G. VCF-style: chr19-1218463-C-G. GRCh37 (hg19) VCF-style: chr19-1218462-C-G.
Other names: short protein forms L113V.
Identifiers: ClinVar variation 492524 (VCV000492524.20), dbSNP rs1555737432, ClinGen allele CA402947770.
Genomic context (GRCh38, chr19:1,218,463, plus strand): 5'-CCTCTCTGTCCCAGGGAAATTCAACTACTGAGGAGGTTACGGCACAAAAATGTCATCCAG[C>G]TGGTGGATGTGTTATACAACGAAGAGAAGCAGAAAATATATCCTTTCCGGTGTTGGGACC-3'
Protein context (NP_000446.1, residues 103-123): RRLRHKNVIQ[Leu113Val]VDVLYNEEKQ